The following is an entry in ClinVar:

NM_004525.3(LRP2):c.12652G>C (p.Glu4218Gln)

Gene: LRP2 (LDL receptor related protein 2; minus strand). Cytogenetic location: 2q31.1.
Variant type: single nucleotide variant.
Coding change: c.12652G>C on transcript NM_004525.3 (MANE Select); coding-DNA position 12652, G replaced by C.
Protein change: p.Glu4218Gln; replaces glutamic acid 4218 with glutamine.
Molecular consequence: missense variant.
Genome position (GRCh38, 1-based): chr2:169,146,898, C>G on the plus strand (G>C on the coding strand, the complement: LRP2 is on the minus strand). VCF-style: chr2-169146898-C-G. GRCh37 (hg19) VCF-style: chr2-170003408-C-G.
Other names: short protein forms E4218Q.
Identifiers: ClinVar variation 3674536 (VCV003674536.2).
Genomic context (GRCh38, chr2:169,146,898, plus strand): 5'-AATCGATAGAAAGGCCAGTTGGCCAACCAAGGTCCTCGAAAACCAGGATGTTGCGGTCCT[C>G]TCCATTCATCCAGGCAGACTCGATTTTAGGTTCCTTTCCCCAGTCAGTCCAGAACATAAG-3'
Protein context (NP_004516.2, residues 4208-4228): PKIESAWMNG[Glu4218Gln]DRNILVFEDL

ClinVar aggregate classification (germline): Uncertain significance (1 of 4 stars; one submission).

Submission:

Labcorp Genetics (formerly Invitae), Labcorp
Classification: Uncertain significance. Last evaluated: 2025-03-16. Review status: criteria provided, single submitter. Criteria: Invitae Variant Classification Sherloc (09022015). Collection method: clinical testing. Allele origin: germline.
Comment: This sequence change replaces glutamic acid, which is acidic and polar, with glutamine, which is neutral and polar, at codon 4218 of the LRP2 protein (p.Glu4218Gln). This variant is not present in population databases (gnomAD no frequency). This variant has not been reported in the literature in individuals affected with LRP2-related conditions. Invitae Evidence Modeling of protein sequence and biophysical properties (such as structural, functional, and spatial information, amino acid conservation, physicochemical variation, residue mobility, and thermodynamic stability) indicates that this missense variant is not expected to disrupt LRP2 protein function with a negative predictive value of 95%. In summary, the available evidence is currently insufficient to determine the role of this variant in disease. Therefore, it has been classified as a Variant of Uncertain Significance.